The following is an entry in ClinVar:

NM_017636.4(TRPM4):c.2227G>A (p.Glu743Lys)

Gene: TRPM4 (transient receptor potential cation channel subfamily M member 4; plus strand). Cytogenetic location: 19q13.33.
Variant type: single nucleotide variant.
Coding change: c.2227G>A on transcript NM_017636.4 (MANE Select); coding-DNA position 2227, G replaced by A.
Protein change: p.Glu743Lys; replaces glutamic acid 743 with lysine.
Molecular consequence: missense variant. On other transcripts: intron variant (1).
Genome position (GRCh38, 1-based): chr19:49,196,456, G>A. VCF-style: chr19-49196456-G-A. GRCh37 (hg19) VCF-style: chr19-49699713-G-A.
Other names: c.1882G>A, p.Glu628Lys (NM_001321281.2); c.619G>A, p.Glu207Lys (NM_001321282.2); c.1705G>A, p.Glu569Lys (NM_001321283.2); c.1165G>A, p.Glu389Lys (NM_001321285.2); c.2211-3844G>A (NM_001195227.2); short protein forms E207K, E569K, E628K, E389K, E743K.
Identifiers: ClinVar variation 4191762 (VCV004191762.1).

ClinVar aggregate classification (germline): Uncertain significance (1 of 4 stars; one submission).

Conditions:
Cardiovascular phenotype. Identifiers: MedGen CN230736.

Submission:

Ambry Genetics
Classification: Uncertain significance for Cardiovascular phenotype. Last evaluated: 2025-08-19. Review status: criteria provided, single submitter. Criteria: Ambry Variant Classification Scheme 2023. Collection method: clinical testing. Allele origin: germline.
Comment: The p.E743K variant (also known as c.2227G>A), located in coding exon 17 of the TRPM4 gene, results from a G to A substitution at nucleotide position 2227. The glutamic acid at codon 743 is replaced by lysine, an amino acid with similar properties. This amino acid position is conserved. In addition, this alteration is predicted to be tolerated by in silico analysis. Based on the available evidence, the clinical significance of this variant remains unclear.